The following is an entry in ClinVar:

ClinVar aggregate classification (germline): Conflicting classifications of pathogenicity. Review status: criteria provided, conflicting classifications (1 of 4 stars). 2 submissions from 2 submitters: Likely pathogenic (1); Uncertain significance (1). Last evaluated 2024-01-28.

Conditions:
Neuronal ceroid lipofuscinosis. Also called: Neuronal Ceroid Lipofuscinoses. Identifiers: Orphanet 216, Orphanet 79263, MedGen C0027877, MONDO:0016295. Disease mechanism: loss of function.
Neuronal ceroid lipofuscinosis 5 (CLN5). Also called: Neuronal ceroid lipofuscinosis Finnish variant; NEURONAL CEROID LIPOFUSCINOSIS, LATE INFANTILE, FINNISH VARIANT; CLN5-Related Neuronal Ceroid-Lipofuscinosis; CEROID LIPOFUSCINOSIS, NEURONAL, 5, VARIABLE AGE AT ONSET. Identifiers: Orphanet 168491, Orphanet 228360, MedGen C1850442, MONDO:0009745, OMIM 256731.

Submissions (2):

Labcorp Genetics (formerly Invitae), Labcorp
Classification: Likely pathogenic for Neuronal ceroid lipofuscinosis. Last evaluated: 2024-01-28. Review status: criteria provided, single submitter. Criteria: Invitae Variant Classification Sherloc (09022015). Collection method: clinical testing. Allele origin: germline.
Comment: This sequence change replaces cysteine, which is neutral and slightly polar, with arginine, which is basic and polar, at codon 208 of the CLN5 protein (p.Cys208Arg). This variant is not present in population databases (gnomAD no frequency). This missense change has been observed in individual(s) with neuronal ceroid lipofuscinosis (PMID: 32302805). It has also been observed to segregate with disease in related individuals. This variant is also known as c.477T>C (p.Cys159Arg). ClinVar contains an entry for this variant (Variation ID: 1679850). Advanced modeling of protein sequence and biophysical properties (such as structural, functional, and spatial information, amino acid conservation, physicochemical variation, residue mobility, and thermodynamic stability) performed at Invitae indicates that this missense variant is expected to disrupt CLN5 protein function with a positive predictive value of 95%. This variant disrupts the p.Cys208 amino acid residue in CLN5. Other variant(s) that disrupt this residue have been observed in individuals with CLN5-related conditions (PMID: 30264640), which suggests that this may be a clinically significant amino acid residue. In summary, the currently available evidence indicates that the variant is pathogenic, but additional data are needed to prove that conclusively. Therefore, this variant has been classified as Likely Pathogenic.

Broad Center for Mendelian Genomics, Broad Institute of MIT and Harvard
Classification: Uncertain significance for Neuronal ceroid lipofuscinosis 5. Last evaluated: 2022-05-04. Review status: criteria provided, single submitter. Criteria: ACMG Guidelines, 2015. Collection method: curation. Allele origin: germline. Inheritance: Autosomal recessive inheritance.
Comment: The variant has not been previously reported in individuals with neuronal ceroid lipofuscinosis 5 and was absent from large population studies. Computational prediction tools and conservation analyses suggest that this variant may impact the protein, though this information is not predictive enough to determine pathogenicity. In summary, while there is some suspicion for a pathogenic role, the clinical significance of this variant is uncertain. ACMG/AMP Criteria applied: PM2, PP3, PM3_supporting (Richards 2015).

Literature cited by the submitters: PubMed 32302805 (cited by Labcorp Genetics (formerly Invitae), Labcorp); PubMed 30264640 (cited by Labcorp Genetics (formerly Invitae), Labcorp).

NM_006493.4(CLN5):c.475T>C (p.Cys159Arg)

Gene: CLN5 (CLN5 lysosomal BMP synthase; plus strand). Cytogenetic location: 13q22.3.
Variant type: single nucleotide variant.
Coding change: c.475T>C on transcript NM_006493.4 (MANE Select); coding-DNA position 475, T replaced by C.
Protein change: p.Cys159Arg; replaces cysteine 159 with arginine.
Molecular consequence: missense variant.
Genome position (GRCh38, 1-based): chr13:76,996,037, T>C. VCF-style: chr13-76996037-T-C. GRCh37 (hg19) VCF-style: chr13-77570172-T-C.
Other names: NM_006493.4:c.475T>C; c.475T>C, p.Cys159Arg (NM_001366624.2); short protein forms C159R.
Identifiers: ClinVar variation 1679850 (VCV001679850.4), dbSNP rs2154034738, ClinGen allele CA388309265.